The following is an entry in ClinVar:

ClinVar aggregate classification (germline): Uncertain significance (1 of 4 stars; one submission).

Conditions:
Pelger-Huët anomaly (PHA). Also called: Pelger-Huet Anomaly. Identifiers: MedGen C0030779, MONDO:0008214, OMIM 169400.

Allele frequency attached by ClinVar (database versions not stated): TOPMed below 0.00001; gnomAD 0.00001.
gnomAD v4.1: 3 of 1,608,568 alleles (0.00019%); highest among the groups gnomAD compares: Non-Finnish European, 0.00025%; no homozygotes.

Submission:

Centre for Mendelian Genomics, University Medical Centre Ljubljana
Classification: Uncertain significance for Pelger-Huët anomaly. Last evaluated: 2019-01-30. Review status: criteria provided, single submitter. Criteria: ACMG Guidelines, 2015. Collection method: clinical testing. Allele origin: unknown. Affected: yes.
Comment: This variant was classified as: Uncertain significance. The available evidence on this variant's pathogenicity is insufficient or conflicting. The following ACMG criteria were applied in classifying this variant: BP4.

NM_002296.4(LBR):c.166-12C>T

Gene: LBR (lamin B receptor; minus strand). Cytogenetic location: 1q42.12.
Variant type: single nucleotide variant.
Coding change: c.166-12C>T on transcript NM_002296.4 (MANE Select); 12 bases into the intron before coding-DNA position 166, C replaced by T.
Molecular consequence: intron variant.
Genome position (GRCh38, 1-based): chr1:225,422,289, G>A on the plus strand (C>T on the coding strand, the complement: LBR is on the minus strand). VCF-style: chr1-225422289-G-A. GRCh37 (hg19) VCF-style: chr1-225609991-G-A.
Other names: c.166-12C>T (NM_194442.3).
Identifiers: ClinVar variation 930347 (VCV000930347.3), dbSNP rs1259998506, ClinGen allele CA529463493.